The following is an entry in ClinVar:

NM_004380.3(CREBBP):c.3158C>T (p.Pro1053Leu)

Gene: CREBBP (CREB binding lysine acetyltransferase; minus strand). Cytogenetic location: 16p13.3.
Variant type: single nucleotide variant.
Coding change: c.3158C>T on transcript NM_004380.3 (MANE Select); coding-DNA position 3158, C replaced by T.
Protein change: p.Pro1053Leu; replaces proline 1053 with leucine.
Molecular consequence: missense variant.
Genome position (GRCh38, 1-based): chr16:3,767,812, G>A on the plus strand (C>T on the coding strand, the complement: CREBBP is on the minus strand). VCF-style: chr16-3767812-G-A. GRCh37 (hg19) VCF-style: chr16-3817813-G-A.
Other names: c.3044C>T, p.Pro1015Leu (NM_001079846.1); short protein forms P1053L, P1015L.
Identifiers: ClinVar variation 194637 (VCV000194637.83), dbSNP rs142008620, ClinGen allele CA240722.

ClinVar aggregate classification (germline): Benign/Likely benign. Review status: criteria provided, multiple submitters, no conflicts (2 of 4 stars). 9 submissions from 9 submitters: Benign (6); Likely benign (2). 1 of the submissions does not count toward it. Last evaluated 2026-01-02.

Conditions:
CREBBP-related disorder. Also called: CREBBP-related condition; CREBBP-related disorders.
Rubinstein-Taybi syndrome (RSTS). Identifiers: Orphanet 783, MedGen C0035934, MONDO:0019188.
Inborn genetic diseases. Identifiers: MedGen C0950123, MeSH D030342.
Intellectual disability. Also called: Intellectual developmental disorder; Intellectual functioning disability; intellectual disabilities. Identifiers: MedGen C3714756, MeSH D008607, MONDO:0001071, HP:0001249.

Allele frequency attached by ClinVar (database versions not stated): ESP Exome Variant Server 0.00015; TOPMed 0.00035; gnomAD 0.00037 and 0.00038; ExAC 0.00053; gnomAD exomes 0.00064.
gnomAD v4.1: 565 of 1,614,100 alleles (0.035%); highest among the groups gnomAD compares: Middle Eastern, 0.26%; 5 homozygotes.

Submissions (9):

Labcorp Genetics (formerly Invitae), Labcorp
Classification: Benign for Rubinstein-Taybi syndrome. Last evaluated: 2026-01-02. Review status: criteria provided, single submitter. Criteria: Invitae Variant Classification Sherloc (09022015). Collection method: clinical testing. Allele origin: germline.

Blueprint Genetics
Classification: Likely benign. Last evaluated: 2024-11-21. Review status: criteria provided, single submitter. Criteria: ACMG Guidelines, 2015. Collection method: clinical testing. Allele origin: germline.

CeGaT Center for Human Genetics Tuebingen
Classification: Likely benign. Last evaluated: 2024-01-01. Review status: criteria provided, single submitter. Criteria: CeGaT Center For Human Genetics Tuebingen Variant Classification Criteria Version 2. Collection method: clinical testing. Allele origin: germline. Affected: yes. Observed: 3 variant alleles.
Comment: CREBBP: BP4, BS1

GeneDx
Classification: Benign. Last evaluated: 2021-01-16. Review status: criteria provided, single submitter. Criteria: GeneDx Variant Classification Process June 2021. Collection method: clinical testing. Allele origin: germline. Affected: yes.
Comment: This variant is associated with the following publications: (PMID: 21390126)

Cambridge Genomics Laboratory, East Genomic Laboratory Hub, NHS Genomic Medicine Service
Classification: Benign for Intellectual disability. Last evaluated: 2020-03-04. Review status: criteria provided, single submitter. Criteria: ACGS Best Practice Guidelines for Variant Classification in Rare Disease 2020. Collection method: clinical testing. Allele origin: germline. Affected: yes. Observed: 1 variant allele.

Ambry Genetics
Classification: Benign for Inborn genetic diseases. Last evaluated: 2016-06-21. Review status: criteria provided, single submitter. Criteria: Ambry Variant Classification Scheme 2023. Collection method: clinical testing. Allele origin: germline.

Eurofins Ntd Llc (ga)
Classification: Benign. Last evaluated: 2016-05-25. Review status: criteria provided, single submitter. Criteria: EGL Classification Definitions 2015. Collection method: clinical testing. Allele origin: germline. Observed: 3 variant alleles, 3 heterozygotes.

Breakthrough Genomics
Classification: Benign. Review status: criteria provided, single submitter. Criteria: ACMG Guidelines, 2015. Collection method: not provided. Allele origin: germline. Inheritance: Autosomal dominant inheritance. Affected: yes.

PreventionGenetics, part of Exact Sciences
Classification: Likely benign for CREBBP-related condition. Last evaluated: 2021-07-16. Review status: no assertion criteria provided. Collection method: clinical testing. Allele origin: germline. Not counted in ClinVar's aggregate classification.
Comment: This variant is classified as likely benign based on ACMG/AMP sequence variant interpretation guidelines (Richards et al. 2015 PMID: 25741868, with internal and published modifications).